The following is an entry in ClinVar:

ClinVar aggregate classification (germline): Uncertain significance. Review status: criteria provided, multiple submitters, no conflicts (2 of 4 stars). 3 submissions from 3 submitters: Uncertain significance (3). Last evaluated 2026-09-16.

Conditions:
MC4R-related disorder. Also called: MC4R-related condition.
BODY MASS INDEX QUANTITATIVE TRAIT LOCUS 20 (BMIQ20). Also called: MELANOCORTIN 4 RECEPTOR DEFICIENCY; MC4R DEFICIENCY. Identifiers: OMIM 618406, MedGen C4759928.
Monogenic diabetes. Identifiers: Orphanet 183625, MedGen C3888631, MONDO:0015967.

Allele frequency attached by ClinVar (database versions not stated): gnomAD 0.00001; gnomAD exomes 0.00001 and 0.00002; TOPMed 0.00004; ESP Exome Variant Server 0.00008; ExAC 0.00001.
gnomAD v4.1: 29 of 1,614,128 alleles (0.0018%); highest among the groups gnomAD compares: Non-Finnish European, 0.0024%; no homozygotes.

Submissions (3):

PreventionGenetics, part of Exact Sciences
Classification: Uncertain significance for MC4R-related condition. Last evaluated: 2026-09-16. Review status: criteria provided, single submitter. Criteria: ACMG Guidelines, 2015. Collection method: clinical testing. Allele origin: germline.
Comment: The MC4R c.883T>C variant is predicted to result in the amino acid substitution p.Ser295Pro. This variant was reported in at least one patient with obesity (Lubrano-Berthelier et al. 2006. PubMed ID: 16507637; Stutzmann et al. 2008. PubMed ID: 18559663), and this variant was also found in two non-obese individuals (Stutzmann et al. 2008. PubMed ID: 18559663). Functional studies have provided conflicting results on this variant (Lubrano-Berthelier et al. 2003. PubMed ID: 12851297; He and Tao. 2014. PubMed ID: 25332687; Stutzmann et al. 2008. PubMed ID: 18559663; Tao and Segaloff. 2005. PubMed ID: 16030156; Xiang et al. 2010. PubMed ID: 20462274). This variant is reported in 0.0028% of alleles in individuals of Latino descent in gnomAD. At this time, the clinical significance of this variant is uncertain due to the absence of conclusive functional and genetic evidence.

Fulgent Genetics
Classification: Uncertain significance for BODY MASS INDEX QUANTITATIVE TRAIT LOCUS 20. Last evaluated: 2021-09-21. Review status: criteria provided, single submitter. Criteria: ACMG Guidelines, 2015. Collection method: clinical testing. Allele origin: unknown.

Personalized Diabetes Medicine Program, University of Maryland School of Medicine
Classification: Uncertain significance for Monogenic diabetes. Last evaluated: 2017-03-10. Review status: criteria provided, single submitter. Criteria: ACMG Guidelines, 2015. Collection method: research. Allele origin: unknown. Observed: 1 variant allele, 1 heterozygote. Study: Personalized Diabetes Medicine Program.
Comment: ACMG Criteria:PP3 (10 predictors)

NM_005912.3(MC4R):c.883T>C (p.Ser295Pro)

Gene: MC4R (melanocortin 4 receptor; minus strand). Cytogenetic location: 18q21.32.
Variant type: single nucleotide variant.
Coding change: c.883T>C on transcript NM_005912.3 (MANE Select); coding-DNA position 883, T replaced by C.
Protein change: p.Ser295Pro; replaces serine 295 with proline.
Molecular consequence: missense variant.
Genome position (GRCh38, 1-based): chr18:60,371,467, A>G on the plus strand (T>C on the coding strand, the complement: MC4R is on the minus strand). VCF-style: chr18-60371467-A-G. GRCh37 (hg19) VCF-style: chr18-58038700-A-G.
Other names: short protein forms S295P.
Identifiers: ClinVar variation 549550 (VCV000549550.5), dbSNP rs368264587, ClinGen allele CA8980817.